The following is an entry in ClinVar:

NM_130466.4(UBE3B):c.821G>A (p.Arg274His)

Gene: UBE3B (ubiquitin protein ligase E3B; plus strand). Cytogenetic location: 12q24.11.
Variant type: single nucleotide variant.
Coding change: c.821G>A on transcript NM_130466.4 (MANE Select); coding-DNA position 821, G replaced by A.
Protein change: p.Arg274His; replaces arginine 274 with histidine.
Molecular consequence: missense variant.
Genome position (GRCh38, 1-based): chr12:109,498,234, G>A. VCF-style: chr12-109498234-G-A. GRCh37 (hg19) VCF-style: chr12-109936039-G-A.
Other names: c.821G>A, p.Arg274His (NM_183415.3); short protein forms R274H.
Identifiers: ClinVar variation 2053261 (VCV002053261.1), dbSNP rs372352298, ClinGen allele CA6777720.
Genomic context (GRCh38, chr12:109,498,234, plus strand): 5'-CTCTCTACAGGAAACTGTTTCTGGCAGTTTCTGATTTAACGGTCTGCTATTCTTTGCAGC[G>A]CCTCACTGTTTTAGAATCCCATGACATGCTTCGTAAATTCATCATATTTTTAAGAGACCA-3'
Protein context (NP_569733.2, residues 264-284): VTHLSTVTPE[Arg274His]LTVLESHDML

ClinVar aggregate classification (germline): Uncertain significance (1 of 4 stars; one submission).

Allele frequency attached by ClinVar (database versions not stated): gnomAD exomes 0.00002; TOPMed 0.00002; gnomAD 0.00003; ExAC 0.00006; ESP Exome Variant Server 0.00008; 1000 Genomes Project 30x 0.00047; 1000 Genomes Project 0.00060.
gnomAD v4.1: 39 of 1,613,906 alleles (0.0024%); highest among the groups gnomAD compares: East Asian, 0.02%; no homozygotes.

Submission:

Labcorp Genetics (formerly Invitae), Labcorp
Classification: Uncertain significance. Last evaluated: 2022-01-23. Review status: criteria provided, single submitter. Criteria: Invitae Variant Classification Sherloc (09022015). Collection method: clinical testing. Allele origin: germline.
Comment: This sequence change replaces arginine, which is basic and polar, with histidine, which is basic and polar, at codon 274 of the UBE3B protein (p.Arg274His). This variant is present in population databases (rs372352298, gnomAD 0.03%). This variant has not been reported in the literature in individuals affected with UBE3B-related conditions. Algorithms developed to predict the effect of missense changes on protein structure and function (SIFT, PolyPhen-2, Align-GVGD) all suggest that this variant is likely to be tolerated. In summary, the available evidence is currently insufficient to determine the role of this variant in disease. Therefore, it has been classified as a Variant of Uncertain Significance.